The following is an entry in ClinVar:

NM_000540.3(RYR1):c.11217G>A (p.Gly3739=)

Gene: RYR1 (ryanodine receptor 1; plus strand). Cytogenetic location: 19q13.2.
Variant type: single nucleotide variant.
Coding change: c.11217G>A on transcript NM_000540.3 (MANE Select); coding-DNA position 11217, G replaced by A.
Protein change: p.Gly3739=; no amino-acid change (glycine 3739 retained).
Molecular consequence: synonymous variant.
Genome position (GRCh38, 1-based): chr19:38,532,694, G>A. VCF-style: chr19-38532694-G-A. GRCh37 (hg19) VCF-style: chr19-39023334-G-A.
Other names: c.11202G>A, p.Gly3734= (NM_001042723.2).
Identifiers: ClinVar variation 699329 (VCV000699329.13), dbSNP rs148659292, ClinGen allele CA056377.
Genomic context (GRCh38, chr19:38,532,694, plus strand): 5'-TGCTTTGTTCATCCCTTAACTGATGCCCCCTCCCCAGAGCTGCCACCTGGAGGAGGGAGG[G>A]GAGAACGGTGAAGCTGAAGAGGAGGTTGAGGTCTCCTTTGAGGTAGGTGGGCTCAGGAGG-3'
Protein context (NP_000531.2, residues 3729-3749): MAKSCHLEEG[Gly3739=]ENGEAEEEVE

ClinVar aggregate classification (germline): Likely benign. Review status: criteria provided, multiple submitters, no conflicts (2 of 4 stars). 4 submissions from 4 submitters: Likely benign (4). Last evaluated 2026-08-18.

Conditions:
Malignant hyperthermia, susceptibility to, 1 (MHS1). Also called: RYR1-Related Malignant Hyperthermia Susceptibility; Anesthesia related hyperthermia; Malignant hyperpyrexia; Fulminating hyperpyrexia; Pharmacogenic myopathy; Malignant hyperthermia suceptibility 1. Identifiers: Orphanet 423, MedGen C2930980, MONDO:0007783, OMIM 145600.
RYR1-related disorder. Also called: RYR1-related condition; RYR1-related disorders. Identifiers: MedGen CN239331.

Allele frequency attached by ClinVar (database versions not stated): gnomAD exomes 0.00001 and 0.00004; ExAC 0.00005; TOPMed 0.00006; gnomAD 0.00011 and 0.00014; ESP Exome Variant Server 0.00023.
gnomAD v4.1: 37 of 1,613,994 alleles (0.0023%); highest among the groups gnomAD compares: African/African-American, 0.049%; no homozygotes.

Submissions (4):

PreventionGenetics, part of Exact Sciences
Classification: Likely benign for RYR1-related condition. Last evaluated: 2026-08-18. Review status: criteria provided, single submitter. Criteria: ACMG Guidelines, 2015. Collection method: clinical testing. Allele origin: germline.
Comment: This variant is classified as likely benign based on ACMG/AMP sequence variant interpretation guidelines (Richards et al. 2015 PMID: 25741868, with internal and published modifications).

Labcorp Genetics (formerly Invitae), Labcorp
Classification: Likely benign for RYR1-related disorder. Last evaluated: 2025-03-10. Review status: criteria provided, single submitter. Criteria: Invitae Variant Classification Sherloc (09022015). Collection method: clinical testing. Allele origin: germline.

All of Us Research Program, National Institutes of Health
Classification: Likely benign for Malignant hyperthermia, susceptibility to, 1. Last evaluated: 2023-12-13. Review status: criteria provided, single submitter. Criteria: ACMG Guidelines, 2015. Collection method: clinical testing. Allele origin: germline. Inheritance: Autosomal dominant inheritance. Observed: 3 variant alleles, 3 heterozygotes.
Comment: This study involves interpretation of variants in research participants for the purpose of population health screening. Participant phenotype was not available at the time of variant classification. Additional details can be found in publication PMID: 35346344, PMCID: PMC8962531

Color Diagnostics, LLC DBA Color Health
Classification: Likely benign for Malignant hyperthermia, susceptibility to, 1. Last evaluated: 2022-11-06. Review status: criteria provided, single submitter. Criteria: ACMG Guidelines, 2015. Collection method: clinical testing. Allele origin: germline.